The following is an entry in ClinVar:

ClinVar aggregate classification (germline): Likely benign. Review status: criteria provided, multiple submitters, no conflicts (2 of 4 stars). 3 submissions from 3 submitters: Likely benign (3). Last evaluated 2026-01-25.

Conditions:
Charcot-Marie-Tooth disease type 2. Also called: Charcot-Marie-Tooth type 2. Identifiers: Orphanet 64746, MedGen C0270914, MONDO:0018993.

Allele frequency attached by ClinVar (database versions not stated): gnomAD exomes 0.00002 and 0.00010; gnomAD 0.00002; TOPMed 0.00005; ExAC 0.00007.
gnomAD v4.1: 27 of 1,613,660 alleles (0.0017%); highest among the groups gnomAD compares: Admixed American, 0.042%; no homozygotes.

Submissions (3):

Labcorp Genetics (formerly Invitae), Labcorp
Classification: Likely benign for Charcot-Marie-Tooth disease type 2. Last evaluated: 2026-01-25. Review status: criteria provided, single submitter. Criteria: Invitae Variant Classification Sherloc (09022015). Collection method: clinical testing. Allele origin: germline.

Women's Health and Genetics/Laboratory Corporation of America, LabCorp
Classification: Likely benign. Last evaluated: 2025-11-11. Review status: criteria provided, single submitter. Criteria: LabCorp Variant Classification Summary - May 2015. Collection method: clinical testing. Allele origin: germline.
Comment: Variant summary: AARS1 c.1704C>T alters a conserved nucleotide resulting in a synonymous change. Consensus agreement among computation tools predict no significant impact on normal splicing. However, these predictions have yet to be confirmed by functional studies. The variant allele was found at a frequency of 9.5e-05 in 251490 control chromosomes, predominantly at a frequency of 0.00069 within the Latino subpopulation in the gnomAD database. This frequency is not significantly higher than estimated for disease-causing variants in AARS1, allowing no conclusion about variant significance. To our knowledge, no occurrence of c.1704C>T in individuals affected with AARS1-related conditions and no experimental evidence demonstrating its impact on protein function have been reported. ClinVar contains an entry for this variant (Variation ID: 385578). Based on the evidence outlined above, the variant was classified as likely benign.

GeneDx
Classification: Likely benign. Last evaluated: 2016-04-28. Review status: criteria provided, single submitter. Criteria: GeneDx Variant Classification (06012015). Collection method: clinical testing. Allele origin: germline. Affected: yes.
Comment: This variant is considered likely benign or benign based on one or more of the following criteria: it is a conservative change, it occurs at a poorly conserved position in the protein, it is predicted to be benign by multiple in silico algorithms, and/or has population frequency not consistent with disease.

NM_001605.3(AARS1):c.1704C>T (p.Val568=)

Gene: AARS1 (alanyl-tRNA synthetase 1; minus strand). Cytogenetic location: 16q22.1.
Variant type: single nucleotide variant.
Coding change: c.1704C>T on transcript NM_001605.3 (MANE Select); coding-DNA position 1704, C replaced by T.
Protein change: p.Val568=; no amino-acid change (valine 568 retained).
Molecular consequence: synonymous variant.
Genome position (GRCh38, 1-based): chr16:70,261,125, G>A on the plus strand (C>T on the coding strand, the complement: AARS1 is on the minus strand). VCF-style: chr16-70261125-G-A. GRCh37 (hg19) VCF-style: chr16-70295028-G-A.
Identifiers: ClinVar variation 385578 (VCV000385578.10), dbSNP rs757658801, ClinGen allele CA8140711.
Genomic context (GRCh38, chr16:70,261,125, plus strand): 5'-CTGATCCCCCACTTTCAGGTCACCGTAGATGGTTCCAATGTGTAGCACATACCCTCCTCG[G>A]ACCTGAGCATTCTTCACTGTAAACTCTGTTTTCTAAGAGGGGTCAAGGAAGAGACCAATA-3'
Protein context (NP_001596.2, residues 558-578): KTEFTVKNAQ[Val568=]RGGYVLHIGT